The following is an entry in ClinVar:

ClinVar aggregate classification (germline): Uncertain significance (1 of 4 stars; one submission).

Submission:

Ambry Genetics
Classification: Uncertain significance. Last evaluated: 2023-09-04. Review status: criteria provided, single submitter. Criteria: Ambry Variant Classification Scheme 2023. Collection method: clinical testing. Allele origin: germline.
Comment: The p.Q32E variant (also known as c.94C>G), located in coding exon 1 of the POLQ gene, results from a C to G substitution at nucleotide position 94. The glutamine at codon 32 is replaced by glutamic acid, an amino acid with highly similar properties. This amino acid position is conserved. In addition, this alteration is predicted to be tolerated by in silico analysis. Since supporting evidence is limited at this time, the clinical significance of this alteration remains unclear.

NM_199420.4(POLQ):c.94C>G (p.Gln32Glu)

Genes: POLQ (DNA polymerase theta; minus strand), LOC112872292 (Sharpr-MPRA regulatory region 30; plus strand). Cytogenetic location: 3q13.33.
Variant type: single nucleotide variant.
Coding change: c.94C>G on transcript NM_199420.4 (MANE Select); coding-DNA position 94, C replaced by G.
Protein change: p.Gln32Glu; replaces glutamine 32 with glutamic acid.
Molecular consequence: missense variant.
Genome position (GRCh38, 1-based): chr3:121,545,784, G>C on the plus strand (C>G on the coding strand, the complement: POLQ is on the minus strand). VCF-style: chr3-121545784-G-C. GRCh37 (hg19) VCF-style: chr3-121264631-G-C.
Other names: short protein forms Q32E.
Identifiers: ClinVar variation 2624477 (VCV002624477.2), dbSNP rs996357445, ClinGen allele CA81838160.